The following is an entry in ClinVar:

NM_018124.4(RFWD3):c.676G>A (p.Gly226Arg)

Gene: RFWD3 (ring finger and WD repeat domain 3; minus strand). Cytogenetic location: 16q23.1.
Variant type: single nucleotide variant.
Coding change: c.676G>A on transcript NM_018124.4 (MANE Select); coding-DNA position 676, G replaced by A.
Protein change: p.Gly226Arg; replaces glycine 226 with arginine.
Molecular consequence: missense variant. On other transcripts: 5 prime UTR variant (4), intron variant (1).
Genome position (GRCh38, 1-based): chr16:74,651,965, C>T on the plus strand (G>A on the coding strand, the complement: RFWD3 is on the minus strand). VCF-style: chr16-74651965-C-T. GRCh37 (hg19) VCF-style: chr16-74685863-C-T.
Other names: c.676G>A, p.Gly226Arg (NM_001370534.1, NM_001370535.1, NM_001370536.1); c.-333G>A (NM_001370537.1); c.-159G>A (NM_001370540.1); c.-210G>A (NM_001370542.1); c.-88G>A (NM_001370543.1); c.-113-2763G>A (NM_001370539.1); c.676G>A (NM_018124.3); short protein forms G226R.
Identifiers: ClinVar variation 2078855 (VCV002078855.5), dbSNP rs200006159, ClinGen allele CA8169492.
Genomic context (GRCh38, chr16:74,651,965, plus strand): 5'-GGGTAAAATACTGACCTTCTAAAATGACAGCTCCAGATTCCTCTGCCTGGTCAACAACCC[C>T]TCCATACTCTGCAGAGCTGTCACTGTCAGAATCAGAACTACTAGACACCTGCAACTCTTC-3'
Protein context (NP_060594.3, residues 216-236): SDSDSSAEYG[Gly226Arg]VVDQAEESGA

ClinVar aggregate classification (germline): Uncertain significance. Review status: criteria provided, multiple submitters, no conflicts (2 of 4 stars). 2 submissions from 2 submitters: Uncertain significance (2). Last evaluated 2026-01-02.

Allele frequency attached by ClinVar (database versions not stated): gnomAD exomes 0.00005; ExAC 0.00009; TOPMed 0.00021; 1000 Genomes Project 30x 0.00062; 1000 Genomes Project 0.00080.
gnomAD v4.1: 94 of 1,614,000 alleles (0.0058%); highest among the groups gnomAD compares: Admixed American, 0.045%; no homozygotes.

Submissions (2):

Labcorp Genetics (formerly Invitae), Labcorp
Classification: Uncertain significance. Last evaluated: 2026-01-02. Review status: criteria provided, single submitter. Criteria: Invitae Variant Classification Sherloc (09022015). Collection method: clinical testing. Allele origin: germline.
Comment: This sequence change replaces glycine, which is neutral and non-polar, with arginine, which is basic and polar, at codon 226 of the RFWD3 protein (p.Gly226Arg). This variant is present in population databases (rs200006159, gnomAD 0.04%). This variant has not been reported in the literature in individuals affected with RFWD3-related conditions. ClinVar contains an entry for this variant (Variation ID: 2078855). An algorithm developed to predict the effect of missense changes on protein structure and function (PolyPhen-2) suggests that this variant is likely to be tolerated. In summary, the available evidence is currently insufficient to determine the role of this variant in disease. Therefore, it has been classified as a Variant of Uncertain Significance.

Ambry Genetics
Classification: Uncertain significance. Last evaluated: 2025-08-05. Review status: criteria provided, single submitter. Criteria: Ambry Variant Classification Scheme 2023. Collection method: clinical testing. Allele origin: germline.